The following is an entry in ClinVar:

NM_182931.3(KMT2E):c.5132T>C (p.Val1711Ala)

Gene: KMT2E (lysine methyltransferase 2E (inactive); plus strand). Cytogenetic location: 7q22.3.
Variant type: single nucleotide variant.
Coding change: c.5132T>C on transcript NM_182931.3 (MANE Select); coding-DNA position 5132, T replaced by C.
Protein change: p.Val1711Ala; replaces valine 1711 with alanine.
Molecular consequence: missense variant.
Genome position (GRCh38, 1-based): chr7:105,112,888, T>C. VCF-style: chr7-105112888-T-C. GRCh37 (hg19) VCF-style: chr7-104753335-T-C.
Other names: c.5006T>C, p.Val1669Ala (NM_001410908.1); c.5132T>C, p.Val1711Ala (NM_018682.4); short protein forms V1669A, V1711A.
Identifiers: ClinVar variation 3728189 (VCV003728189.2).

ClinVar aggregate classification (germline): Uncertain significance (1 of 4 stars; one submission).

Submission:

Labcorp Genetics (formerly Invitae), Labcorp
Classification: Uncertain significance. Last evaluated: 2024-12-28. Review status: criteria provided, single submitter. Criteria: Invitae Variant Classification Sherloc (09022015). Collection method: clinical testing. Allele origin: germline.
Comment: This sequence change replaces valine, which is neutral and non-polar, with alanine, which is neutral and non-polar, at codon 1711 of the KMT2E protein (p.Val1711Ala). This variant is not present in population databases (gnomAD no frequency). This variant has not been reported in the literature in individuals affected with KMT2E-related conditions. An algorithm developed to predict the effect of missense changes on protein structure and function (PolyPhen-2) suggests that this variant is likely to be tolerated. In summary, the available evidence is currently insufficient to determine the role of this variant in disease. Therefore, it has been classified as a Variant of Uncertain Significance.